The following is an entry in ClinVar:

NM_000219.6(KCNE1):c.214G>C (p.Glu72Gln)

Gene: KCNE1 (potassium voltage-gated channel subfamily E regulatory subunit 1; minus strand). Cytogenetic location: 21q22.12.
Variant type: single nucleotide variant.
Coding change: c.214G>C on transcript NM_000219.6 (MANE Select); coding-DNA position 214, G replaced by C.
Protein change: p.Glu72Gln; replaces glutamic acid 72 with glutamine.
Molecular consequence: missense variant.
Genome position (GRCh38, 1-based): chr21:34,449,421, C>G on the plus strand (G>C on the coding strand, the complement: KCNE1 is on the minus strand). VCF-style: chr21-34449421-C-G. GRCh37 (hg19) VCF-style: chr21-35821719-C-G.
Other names: c.214G>C, p.Glu72Gln (NM_001127668.4, NM_001127669.4, NM_001127670.4 and 4 more transcripts); short protein forms E72Q.
Identifiers: ClinVar variation 3374346 (VCV003374346.2).

Conditions:
Long QT syndrome 5 (LQT5). Identifiers: Orphanet 101016, Orphanet 768, MedGen C1867904, MONDO:0013372, OMIM 613695.

Submission:

Roden Lab, Vanderbilt University Medical Center
No classification provided (evidence only). Condition: Long QT syndrome 5. Review status: no classification provided. Collection method: in vitro. Allele origin: not applicable. Functional consequence: Effect on ion channel function.
ClinVar note: "not provided" was previously submitted as the classification for the variant. However, the classification appeared to be based only on an observation of functional data so it was converted to no classification on 2025-07-30.